The following is an entry in ClinVar:

ClinVar aggregate classification (germline): Uncertain significance (1 of 4 stars; one submission).

Allele frequency attached by ClinVar (database versions not stated): gnomAD exomes 0.00001 and 0.00002; gnomAD 0.00003 and 0.00004; ExAC 0.00004; TOPMed 0.00004.
gnomAD v4.1: 15 of 1,613,934 alleles (0.00093%); highest among the groups gnomAD compares: Admixed American, 0.018%; 1 homozygote.

Submission:

Labcorp Genetics (formerly Invitae), Labcorp
Classification: Uncertain significance. Last evaluated: 2025-07-23. Review status: criteria provided, single submitter. Criteria: Invitae Variant Classification Sherloc (09022015). Collection method: clinical testing. Allele origin: germline.
Comment: This sequence change replaces aspartic acid, which is acidic and polar, with asparagine, which is neutral and polar, at codon 288 of the MAPKAPK3 protein (p.Asp288Asn). This variant is present in population databases (rs769809042, gnomAD 0.03%). This variant has not been reported in the literature in individuals affected with MAPKAPK3-related conditions. ClinVar contains an entry for this variant (Variation ID: 1021866). An algorithm developed to predict the effect of missense changes on protein structure and function (PolyPhen-2) suggests that this variant is likely to be tolerated. In summary, the available evidence is currently insufficient to determine the role of this variant in disease. Therefore, it has been classified as a Variant of Uncertain Significance.

NM_001243925.2(MAPKAPK3):c.862G>A (p.Asp288Asn)

Gene: MAPKAPK3 (MAPK activated protein kinase 3; plus strand). Cytogenetic location: 3p21.2.
Variant type: single nucleotide variant.
Coding change: c.862G>A on transcript NM_001243925.2 (MANE Select); coding-DNA position 862, G replaced by A.
Protein change: p.Asp288Asn; replaces aspartic acid 288 with asparagine.
Molecular consequence: missense variant.
Genome position (GRCh38, 1-based): chr3:50,646,772, G>A. VCF-style: chr3-50646772-G-A. GRCh37 (hg19) VCF-style: chr3-50684203-G-A.
Other names: c.862G>A, p.Asp288Asn (NM_001243926.2, NM_004635.5); short protein forms D288N.
Identifiers: ClinVar variation 1021866 (VCV001021866.5), dbSNP rs769809042, ClinGen allele CA2420403.